The following is an entry in ClinVar:

ClinVar aggregate classification (germline): Uncertain significance (1 of 4 stars; one submission).

Conditions:
Common variable immunodeficiency (CVID). Also called: Common variable hypogamma-globulinemia; Common variable agammaglobulinemia. Identifiers: Orphanet 1572, MedGen C0009447, MONDO:0015517.

gnomAD v4.1: 7 of 1,612,236 alleles (0.00043%); highest among the groups gnomAD compares: East Asian, 0.0022%; no homozygotes.

Submission:

Labcorp Genetics (formerly Invitae), Labcorp
Classification: Uncertain significance for Common variable immunodeficiency. Last evaluated: 2019-09-29. Review status: criteria provided, single submitter. Criteria: Invitae Variant Classification Sherloc (09022015). Collection method: clinical testing. Allele origin: germline.
Comment: In summary, the available evidence is currently insufficient to determine the role of this variant in disease. Therefore, it has been classified as a Variant of Uncertain Significance. Algorithms developed to predict the effect of missense changes on protein structure and function are either unavailable or do not agree on the potential impact of this missense change (SIFT: "Tolerated"; PolyPhen-2: "Probably Damaging"; Align-GVGD: "Class C0"). This variant has not been reported in the literature in individuals with TNFSF12-related conditions. This variant is not present in population databases (ExAC no frequency). This sequence change replaces alanine with valine at codon 236 of the TNFSF12 protein (p.Ala236Val). The alanine residue is weakly conserved and there is a small physicochemical difference between alanine and valine.

NM_003809.3(TNFSF12):c.707C>T (p.Ala236Val)

Genes: TNFSF12 (TNF superfamily member 12; plus strand), TNFSF12-TNFSF13 (TNFSF12-TNFSF13 readthrough; plus strand). Cytogenetic location: 17p13.1.
Variant type: single nucleotide variant.
Coding change: c.707C>T on transcript NM_003809.3 (MANE Select); coding-DNA position 707, C replaced by T.
Protein change: p.Ala236Val; replaces alanine 236 with valine.
Molecular consequence: missense variant. On other transcripts: non-coding transcript variant (1), intron variant (1).
Genome position (GRCh38, 1-based): chr17:7,557,307, C>T. VCF-style: chr17-7557307-C-T. GRCh37 (hg19) VCF-style: chr17-7460624-C-T.
Other names: c.498+405C>T (NM_172089.4); short protein forms A236V.
Identifiers: ClinVar variation 969323 (VCV000969323.10), dbSNP rs2071085410, ClinGen allele CA397864790.
Genomic context (GRCh38, chr17:7,557,307, plus strand): 5'-TGGCCCTGCGGCCAGGGTCCTCCCTGCGGATCCGCACCCTCCCCTGGGCCCATCTCAAGG[C>T]TGCCCCCTTCCTCACCTACTTCGGACTCTTCCAGGTTCACTGAGGGGCCCTGGTCTCCCC-3'
Protein context (NP_003800.1, residues 226-246): IRTLPWAHLK[Ala236Val]APFLTYFGLF